The following is an entry in ClinVar:

NM_198253.3(TERT):c.2353C>T (p.Pro785Ser)

Gene: TERT (telomerase reverse transcriptase; minus strand). Cytogenetic location: 5p15.33.
Variant type: single nucleotide variant.
Coding change: c.2353C>T on transcript NM_198253.3 (MANE Select); coding-DNA position 2353, C replaced by T.
Protein change: p.Pro785Ser; replaces proline 785 with serine.
Molecular consequence: missense variant.
Genome position (GRCh38, 1-based): chr5:1,272,214, G>A on the plus strand (C>T on the coding strand, the complement: TERT is on the minus strand). VCF-style: chr5-1272214-G-A. GRCh37 (hg19) VCF-style: chr5-1272329-G-A.
Other names: c.2353C>T, p.Pro785Ser (NM_001193376.3); c.2353C>T (NM_198253.2); short protein forms P785S.
Identifiers: ClinVar variation 1508926 (VCV001508926.9), dbSNP rs755822641, ClinGen allele CA3184561.

ClinVar aggregate classification (germline): Conflicting classifications of pathogenicity. Review status: criteria provided, conflicting classifications (1 of 4 stars). 2 submissions from 2 submitters: Uncertain significance (1); Likely benign (1). Last evaluated 2023-05-21.

Conditions:
Dyskeratosis congenita, autosomal dominant 2. Identifiers: MedGen C3151443, MONDO:0013521, OMIM 613989.
Idiopathic Pulmonary Fibrosis. Also called: Idiopathic fibrosing alveolitis, chronic form; idiopathic fibrosing alveolitis. Identifiers: Orphanet 2032, MedGen C1800706, MeSH D054990, MONDO:0800504.
Dyskeratosis congenita. Identifiers: Orphanet 1775, MedGen C0265965, MONDO:0015780.

Allele frequency attached by ClinVar (database versions not stated): gnomAD exomes 0.00001.
gnomAD v4.1: 3 of 1,612,806 alleles (0.00019%); highest among the groups gnomAD compares: Admixed American, 0.005%; no homozygotes.

Submissions (2):

Ambry Genetics
Classification: Likely benign for Dyskeratosis congenita. Last evaluated: 2023-05-21. Review status: criteria provided, single submitter. Criteria: Ambry Variant Classification Scheme 2023. Collection method: clinical testing. Allele origin: germline.

Labcorp Genetics (formerly Invitae), Labcorp
Classification: Uncertain significance for Dyskeratosis congenita, autosomal dominant 2; Idiopathic Pulmonary Fibrosis. Last evaluated: 2021-02-11. Review status: criteria provided, single submitter. Criteria: Invitae Variant Classification Sherloc (09022015). Collection method: clinical testing. Allele origin: germline.
Comment: This variant has not been reported in the literature in individuals with TERT-related conditions. In summary, the available evidence is currently insufficient to determine the role of this variant in disease. Therefore, it has been classified as a Variant of Uncertain Significance. Advanced modeling of protein sequence and biophysical properties (such as structural, functional, and spatial information, amino acid conservation, physicochemical variation, residue mobility, and thermodynamic stability) performed at Invitae indicates that this missense variant is not expected to disrupt TERT protein function. This variant is present in population databases (rs755822641, ExAC 0.03%). This sequence change replaces proline with serine at codon 785 of the TERT protein (p.Pro785Ser). The proline residue is weakly conserved and there is a moderate physicochemical difference between proline and serine.